The following is an entry in ClinVar:

ClinVar aggregate classification (germline): Uncertain significance (1 of 4 stars; one submission).

Conditions:
Cardiovascular phenotype. Identifiers: MedGen CN230736.

gnomAD v4.1: 1 of 1,614,218 alleles (0.000062%); highest among the groups gnomAD compares: Non-Finnish European, 0.000085%; no homozygotes.

Submission:

Ambry Genetics
Classification: Uncertain significance for Cardiovascular phenotype. Last evaluated: 2021-12-29. Review status: criteria provided, single submitter. Criteria: Ambry Variant Classification Scheme 2023. Collection method: clinical testing. Allele origin: germline.
Comment: The p.A1235S variant (also known as c.3703G>T), located in coding exon 21 of the SCN10A gene, results from a G to T substitution at nucleotide position 3703. The alanine at codon 1235 is replaced by serine, an amino acid with similar properties. This amino acid position is conserved. In addition, the in silico prediction for this alteration is inconclusive. Since supporting evidence is limited at this time, the clinical significance of this alteration remains unclear.

NM_006514.4(SCN10A):c.3703G>T (p.Ala1235Ser)

Gene: SCN10A (sodium voltage-gated channel alpha subunit 10; minus strand). Cytogenetic location: 3p22.2.
Variant type: single nucleotide variant.
Coding change: c.3703G>T on transcript NM_006514.4 (MANE Select); coding-DNA position 3703, G replaced by T.
Protein change: p.Ala1235Ser; replaces alanine 1235 with serine.
Molecular consequence: missense variant.
Genome position (GRCh38, 1-based): chr3:38,714,059, C>A on the plus strand (G>T on the coding strand, the complement: SCN10A is on the minus strand). VCF-style: chr3-38714059-C-A. GRCh37 (hg19) VCF-style: chr3-38755550-C-A.
Other names: c.3700G>T, p.Ala1234Ser (NM_001293306.2); c.3409G>T, p.Ala1137Ser (NM_001293307.2); short protein forms A1235S, A1137S, A1234S.
Identifiers: ClinVar variation 1734122 (VCV001734122.2), dbSNP rs950779366, ClinGen allele CA352151813.